The following is an entry in ClinVar:

NM_000020.3(ACVRL1):c.302del (p.Leu101fs)

Gene: ACVRL1 (activin A receptor like type 1; plus strand). Cytogenetic location: 12q13.13.
Variant type: Deletion.
Coding change: c.302del on transcript NM_000020.3 (MANE Select); coding-DNA position 302, one base deleted (T; older notation c.302delT).
Protein change: p.Leu101fs; shifts the reading frame from leucine 101.
Molecular consequence: frameshift variant.
Genome position (GRCh38, 1-based): chr12:51,913,339, T deleted. VCF-style (leftmost placement, unchanged base first): chr12-51913338-CT-C. GRCh37 (hg19) VCF-style: chr12-52307122-CT-C.
Other names: c.302delT (NM_000020.2); c.302del, p.Leu101fs (NM_001077401.2); short protein forms L101fs.
Identifiers: ClinVar variation 420920 (VCV000420920.2), dbSNP rs1064794791, ClinGen allele CA16619568.

ClinVar aggregate classification (germline): Likely pathogenic (1 of 4 stars; one submission).

Submission:

GeneDx
Classification: Likely pathogenic. Last evaluated: 2016-12-13. Review status: criteria provided, single submitter. Criteria: GeneDx Variant Classification (06012015). Collection method: clinical testing. Allele origin: germline. Affected: yes.
Comment: Although the c.302delT likley pathogenic variant in the ACVRL1 gene has not been reported to ourknowledge, this variant causes a shift in reading frame starting at codon Leucine 101, changing it to an Arginine, and creating a premature stop codon at position 21 of the new reading frame, denoted p.Leu101ArgfsX21. This likely pathogenic variant is expected to result in either an abnormal, truncated protein product or loss of protein from this allele through nonsense-mediated mRNA decay.Furthermore, the c.302delT variant was not observed in approximately 6,500 individuals of European and African American ancestry in the NHLBI Exome Sequencing Project, indicating it is not a common benign variant in these populations. In summary, c.302delT in the ACVRL1 gene is expected to be pathogenic, as loss of function variants in this gene are strongly associated with this phenotype.